The following is an entry in ClinVar:

ClinVar aggregate classification (germline): Uncertain significance. Review status: criteria provided, multiple submitters, no conflicts (2 of 4 stars). 3 submissions from 3 submitters: Uncertain significance (3). Last evaluated 2026-05-14.

Conditions:
SLC22A4-related disorder. Also called: SLC22A4-related condition.

Allele frequency attached by ClinVar (database versions not stated): gnomAD exomes 0.00002 and 0.00008; ExAC 0.00013; TOPMed 0.00033; gnomAD 0.00034; ESP Exome Variant Server 0.00046; 1000 Genomes Project 0.00060.
gnomAD v4.1: 99 of 1,614,202 alleles (0.0061%); highest among the groups gnomAD compares: African/African-American, 0.1%; 1 homozygote.

Submissions (3):

PreventionGenetics, part of Exact Sciences
Classification: Uncertain significance for SLC22A4-related condition. Last evaluated: 2026-05-14. Review status: criteria provided, single submitter. Criteria: ACMG Guidelines, 2015. Collection method: clinical testing. Allele origin: germline.
Comment: The SLC22A4 c.1390A>G variant is predicted to result in the amino acid substitution p.Thr464Ala. To our knowledge, this variant has not been reported in the literature. This variant is reported in 0.092% of alleles in individuals of African descent in gnomAD. Although we suspect that this variant may be benign, at this time, the clinical significance of this variant is uncertain due to the absence of conclusive functional and genetic evidence.

Ambry Genetics
Classification: Uncertain significance. Last evaluated: 2025-08-27. Review status: criteria provided, single submitter. Criteria: Ambry Variant Classification Scheme 2023. Collection method: clinical testing. Allele origin: germline.

Labcorp Genetics (formerly Invitae), Labcorp
Classification: Uncertain significance. Last evaluated: 2021-10-28. Review status: criteria provided, single submitter. Criteria: Invitae Variant Classification Sherloc (09022015). Collection method: clinical testing. Allele origin: germline.
Comment: This sequence change replaces threonine, which is neutral and polar, with alanine, which is neutral and non-polar, at codon 464 of the SLC22A4 protein (p.Thr464Ala). This variant is present in population databases (rs143888295, gnomAD 0.09%), and has an allele count higher than expected for a pathogenic variant. In summary, the available evidence is currently insufficient to determine the role of this variant in disease. Therefore, it has been classified as a Variant of Uncertain Significance. Algorithms developed to predict the effect of missense changes on protein structure and function output the following: SIFT: "Tolerated"; PolyPhen-2: "Benign"; Align-GVGD: "Class C0". The alanine amino acid residue is found in multiple mammalian species, which suggests that this missense change does not adversely affect protein function. This variant has not been reported in the literature in individuals affected with SLC22A4-related conditions.

NM_003059.3(SLC22A4):c.1390A>G (p.Thr464Ala)

Genes: MIR3936HG (MIR3936 host gene; minus strand), SLC22A4 (solute carrier family 22 member 4; plus strand). Cytogenetic location: 5q31.1.
Variant type: single nucleotide variant.
Coding change: c.1390A>G on transcript NM_003059.3 (MANE Select); coding-DNA position 1390, A replaced by G.
Protein change: p.Thr464Ala; replaces threonine 464 with alanine.
Molecular consequence: missense variant.
Genome position (GRCh38, 1-based): chr5:132,335,946, A>G. VCF-style: chr5-132335946-A-G. GRCh37 (hg19) VCF-style: chr5-131671639-A-G.
Other names: c.1390A>G (NM_003059.2); short protein forms T464A.
Identifiers: ClinVar variation 1365335 (VCV001365335.8), dbSNP rs143888295, ClinGen allele CA3403665.
Genomic context (GRCh38, chr5:132,335,946, plus strand): 5'-CTGTATGTCTTCACTGCTGAGCTCTACCCAACCCTGGTCAGGAACATGGCGGTGGGGGTC[A>G]CATCCACGGCCTCCAGAGTGGGCAGCATCATTGCCCCCTACTTTGTTTACCTCGGTGAGC-3'
Protein context (NP_003050.2, residues 454-474): TLVRNMAVGV[Thr464Ala]STASRVGSII